The following is an entry in ClinVar:

NM_007192.4(SUPT16H):c.364A>G (p.Ile122Val)

Gene: SUPT16H (SPT16 homolog, facilitates chromatin remodeling subunit; minus strand). Cytogenetic location: 14q11.2.
Variant type: single nucleotide variant.
Coding change: c.364A>G on transcript NM_007192.4 (MANE Select); coding-DNA position 364, A replaced by G.
Protein change: p.Ile122Val; replaces isoleucine 122 with valine.
Molecular consequence: missense variant.
Genome position (GRCh38, 1-based): chr14:21,370,455, T>C on the plus strand (A>G on the coding strand, the complement: SUPT16H is on the minus strand). VCF-style: chr14-21370455-T-C. GRCh37 (hg19) VCF-style: chr14-21838614-T-C.
Other names: short protein forms I122V.
Identifiers: ClinVar variation 4885830 (VCV004885830.2).
Genomic context (GRCh38, chr14:21,370,455, plus strand): 5'-ATTTGTCTTTGCTGAACACTCCAATCTTCTTGCCATTCTTGCTTTCTTTAATGGCTTCAA[T>C]CATTTTGTCAAAGCTACTCTTATTACTTTCATTCTGTCAGTGTCATAGGGAAGAAAAGAC-3'
Protein context (NP_009123.1, residues 112-132): ESNKSSFDKM[Ile122Val]EAIKESKNGK

ClinVar aggregate classification (germline): Uncertain significance (1 of 4 stars; one submission).

Submission:

Dasa
Classification: Uncertain significance. Last evaluated: 2025-04-03. Review status: criteria provided, single submitter. Criteria: DASA Assertion Criteria. Collection method: clinical testing. Allele origin: germline.
Comment: NM_007192.4(SUPT16H):c.364A>G (p.Ile122Val) is a missense variant that results in the substitution of isoleucine with valine. This variant is absent from population databases. Computational prediction algorithms are consistent with a benign effect. The currently available literature and clinical evidence are not sufficient to establish a definitive association between this variant and the reported condition. Therefore, this variant is classified as a variant of uncertain significance.